The following is an entry in ClinVar:

NC_000016.10:g.75556271T>G

Gene: TMEM231 (transmembrane protein 231; minus strand). Cytogenetic location: 16q23.1.
Variant type: single nucleotide variant.
Molecular consequence: missense variant, initiator codon variant (on NM_001077416.2).
Genome position: GRCh38 VCF-style: chr16-75556271-T-G. GRCh37 (hg19) VCF-style: chr16-75590169-T-G.
Other names: c.1A>C, p.Met1Leu (NM_001077416.2); short protein forms M1L.
Identifiers: ClinVar variation 1385902 (VCV001385902.9), dbSNP rs964025567, ClinGen allele CA283891100.

ClinVar aggregate classification (germline): Uncertain significance. Review status: criteria provided, multiple submitters, no conflicts (2 of 4 stars). 3 submissions from 3 submitters: Uncertain significance (3). Last evaluated 2024-05-21.

Conditions:
Meckel syndrome, type 11 (MKS11). Identifiers: Orphanet 564, MedGen C3809352, MONDO:0014164, OMIM 615397.
Joubert syndrome 20 (JBTS20). Identifiers: Orphanet 475, MedGen C3554235, MONDO:0013994, OMIM 614970.

Allele frequency attached by ClinVar (database versions not stated): gnomAD 0.00004 and 0.00005; TOPMed 0.00005; gnomAD exomes 0.00003.
gnomAD v4.1: 50 of 1,386,214 alleles (0.0036%); highest among the groups gnomAD compares: South Asian, 0.044%; no homozygotes.

Submissions (3):

Blueprint Genetics
Classification: Uncertain significance. Last evaluated: 2024-05-21. Review status: criteria provided, single submitter. Criteria: ACMG Guidelines, 2015. Collection method: clinical testing. Allele origin: germline.

Fulgent Genetics
Classification: Uncertain significance for Joubert syndrome 20; Meckel syndrome, type 11. Last evaluated: 2024-04-22. Review status: criteria provided, single submitter. Criteria: ACMG Guidelines, 2015. Collection method: clinical testing. Allele origin: germline.

Labcorp Genetics (formerly Invitae), Labcorp
Classification: Uncertain significance for Joubert syndrome 20; Meckel syndrome, type 11. Last evaluated: 2022-08-09. Review status: criteria provided, single submitter. Criteria: Invitae Variant Classification Sherloc (09022015). Collection method: clinical testing. Allele origin: germline.
Comment: This sequence change affects the initiator methionine of the TMEM231 mRNA. The next in-frame methionine is located at codon 25. This variant is present in population databases (no rsID available, gnomAD 0.01%). This variant has not been reported in the literature in individuals affected with TMEM231-related conditions. ClinVar contains an entry for this variant (Variation ID: 1385902). In summary, the available evidence is currently insufficient to determine the role of this variant in disease. Therefore, it has been classified as a Variant of Uncertain Significance.